The following is an entry in ClinVar:

ClinVar aggregate classification (germline): Uncertain significance (1 of 4 stars; one submission).

Conditions:
Neurodevelopmental disorder with hypotonia, dysmorphic facies, and skeletal anomalies, with or without seizures (NEDFSS). Also called: TRPM3-Related Neurodevelopmental Disorder. Identifiers: MedGen C5830244, MONDO:0859365, OMIM 620224.
Cataract 50 with or without glaucoma (CTRCT50). Identifiers: MedGen C5830299, MONDO:0859382, OMIM 620253.

Submission:

Juno Genomics, Hangzhou Juno Genomics, Inc
Classification: Uncertain significance for Cataract 50 with or without glaucoma; Neurodevelopmental disorder with hypotonia, dysmorphic facies, and skeletal anomalies, with or without seizures. Review status: criteria provided, single submitter. Criteria: ACMG Guidelines, 2015. Collection method: clinical testing. Allele origin: germline.
Comment: Absent from controls (or at extremely low frequency if recessive) in Genome Aggregation Database.;Missense variant in a gene that has a low rate of benign missense variation.

NM_001366145.2(TRPM3):c.3286A>G (p.Thr1096Ala)

Gene: TRPM3 (transient receptor potential cation channel subfamily M member 3; minus strand). Cytogenetic location: 9q21.12.
Variant type: single nucleotide variant.
Coding change: c.3286A>G on transcript NM_001366145.2 (MANE Select); coding-DNA position 3286, A replaced by G.
Protein change: p.Thr1096Ala; replaces threonine 1096 with alanine.
Molecular consequence: missense variant.
Genome position (GRCh38, 1-based): chr9:70,553,248, T>C on the plus strand (A>G on the coding strand, the complement: TRPM3 is on the minus strand). VCF-style: chr9-70553248-T-C. GRCh37 (hg19) VCF-style: chr9-73168164-T-C.
Other names: c.3250A>G, p.Thr1084Ala (NM_001007471.4, NM_001366151.2); c.3256A>G, p.Thr1086Ala (NM_001366141.2, NM_001366143.2, NM_001366149.2); c.3292A>G, p.Thr1098Ala (NM_001366142.2); c.3286A>G, p.Thr1096Ala (NM_001366146.2); c.3361A>G, p.Thr1121Ala (NM_001366147.2, NM_001366152.2); c.3331A>G, p.Thr1111Ala (NM_001366148.2); c.3220A>G, p.Thr1074Ala (NM_001366150.2); c.2827A>G, p.Thr943Ala (NM_001366154.2, NM_024971.7); and 5 more; short protein forms T1074A, T1096A, T1098A, T1111A, T921A, T931A, T933A, T956A.
Identifiers: ClinVar variation 5007459 (VCV005007459.2).